The following is an entry in ClinVar:

ClinVar aggregate classification (germline): Likely benign. Review status: criteria provided, multiple submitters, no conflicts (2 of 4 stars). 2 submissions from 2 submitters: Likely benign (2). Last evaluated 2023-06-01.

Allele frequency attached by ClinVar (database versions not stated): gnomAD exomes below 0.00001.
gnomAD v4.1: 2 of 1,209,540 alleles (0.00017%); highest among the groups gnomAD compares: Non-Finnish European, 0.00022%; no homozygotes.

Submissions (2):

CeGaT Center for Human Genetics Tuebingen
Classification: Likely benign. Last evaluated: 2023-06-01. Review status: criteria provided, single submitter. Criteria: CeGaT Center For Human Genetics Tuebingen Variant Classification Criteria Version 2. Collection method: clinical testing. Allele origin: germline. Affected: yes. Observed: 1 variant allele.
Comment: TAF1: PM2:Supporting, BP4, BP7

Labcorp Genetics (formerly Invitae), Labcorp
Classification: Likely benign. Last evaluated: 2023-03-04. Review status: criteria provided, single submitter. Criteria: Invitae Variant Classification Sherloc (09022015). Collection method: clinical testing. Allele origin: germline.

NM_004606.5(TAF1):c.4209A>G (p.Thr1403=)

Gene: TAF1 (TATA-box binding protein associated factor 1; plus strand). Cytogenetic location: Xq13.1.
Variant type: single nucleotide variant.
Coding change: c.4209A>G on transcript NM_004606.5 (MANE Select); coding-DNA position 4209, A replaced by G.
Protein change: p.Thr1403=; no amino-acid change (threonine 1403 retained).
Molecular consequence: synonymous variant. On other transcripts: non-coding transcript variant (9).
Genome position (GRCh38, 1-based): chrX:71,407,976, A>G. VCF-style: chrX-71407976-A-G. GRCh37 (hg19) VCF-style: chrX-70627826-A-G.
Other names: c.4209A>G, p.Thr1403= (NM_001286074.2); c.4146A>G, p.Thr1382= (NM_138923.4).
Identifiers: ClinVar variation 2660881 (VCV002660881.27), dbSNP rs2521125120, ClinGen allele CA516734868.